The following is an entry in ClinVar:

ClinVar aggregate classification (germline): Uncertain significance. Review status: criteria provided, multiple submitters, no conflicts (2 of 4 stars). 6 submissions from 6 submitters: Uncertain significance (6). Last evaluated 2025-12-10.

Conditions:
RASopathy. Also called: Noonan spectrum disorder; rasopathies. Identifiers: Orphanet 536391, MedGen C5555857, MONDO:0021060.
Noonan syndrome 5 (NS5). Also called: RAF1-Related Noonan Syndrome. Identifiers: Orphanet 648, MedGen C1969057, MONDO:0012690, OMIM 611553. Disease mechanism: gain of function.
Cardiovascular phenotype. Identifiers: MedGen CN230736.

Submissions (6):

Labcorp Genetics (formerly Invitae), Labcorp
Classification: Uncertain significance for RASopathy. Last evaluated: 2025-12-10. Review status: criteria provided, single submitter. Criteria: Invitae Variant Classification Sherloc (09022015). Collection method: clinical testing. Allele origin: germline.
Comment: This variant, c.325_327del, results in the deletion of 1 amino acid(s) of the RAF1 protein (p.Lys109del), but otherwise preserves the integrity of the reading frame. This variant is not present in population databases (gnomAD no frequency). This variant has not been reported in the literature in individuals affected with RAF1-related conditions. ClinVar contains an entry for this variant (Variation ID: 597107). Experimental studies and prediction algorithms are not available or were not evaluated, and the functional significance of this variant is currently unknown. In summary, the available evidence is currently insufficient to determine the role of this variant in disease. Therefore, it has been classified as a Variant of Uncertain Significance.

GeneDx
Classification: Uncertain significance. Last evaluated: 2025-08-05. Review status: criteria provided, single submitter. Criteria: GeneDx Variant Classification Process June 2021. Collection method: clinical testing. Allele origin: germline. Affected: yes.
Comment: Not observed at significant frequency in large population cohorts (gnomAD); In-frame deletion of 1 amino acid in a non-repeat region; In silico analysis supports a deleterious effect on protein structure/function; Has not been previously published as pathogenic or benign to our knowledge

Ambry Genetics
Classification: Uncertain significance for Cardiovascular phenotype. Last evaluated: 2024-11-06. Review status: criteria provided, single submitter. Criteria: Ambry Variant Classification Scheme 2023. Collection method: clinical testing. Allele origin: germline.
Comment: The c.325_327delAAA variant (also known as p.K109del), located in coding exon 3 of the RAF1 gene, results from an in-frame AAA deletion at nucleotide positions 325 to 327. This results in the in-frame deletion of a lysine at codon 109. This amino acid position is highly conserved in available vertebrate species. In addition, the in silico prediction for this alteration is inconclusive (Choi Y et al. PLoS ONE. 2012; 7(10):e46688). Based on the available evidence, the clinical significance of this variant remains unclear.

Women's Health and Genetics/Laboratory Corporation of America, LabCorp
Classification: Uncertain significance. Last evaluated: 2023-11-27. Review status: criteria provided, single submitter. Criteria: LabCorp Variant Classification Summary - May 2015. Collection method: clinical testing. Allele origin: germline.
Comment: Variant summary: RAF1 c.325_327delAAA (p.Lys109del) results in an in-frame deletion that is predicted to remove one amino acid from the encoded protein. The variant was absent in 251376 control chromosomes (gnomAD). The available data on variant occurrences in the general population are insufficient to allow any conclusion about variant significance. To our knowledge, no occurrence of c.325_327delAAA in individuals affected with Noonan Syndrome and no experimental evidence demonstrating its impact on protein function have been reported. Three submitters have cited clinical-significance assessments for this variant to ClinVar after 2014. All submitters classified the variant as uncertain significance. Based on the evidence outlined above, the variant was classified as uncertain significance.

New York Genome Center
Classification: Uncertain significance for Noonan syndrome 5. Last evaluated: 2020-06-30. Review status: criteria provided, single submitter. Criteria: NYGC Assertion Criteria 2020. Collection method: clinical testing. Allele origin: inherited. Observed: 1 heterozygote. Study: CSER-NYCKidSeq.

Eurofins Ntd Llc (ga)
Classification: Uncertain significance. Last evaluated: 2018-05-10. Review status: criteria provided, single submitter. Criteria: EGL ClinVar v180209 classification definitions. Collection method: clinical testing. Allele origin: germline. Observed: 1 variant allele, 1 heterozygote.

NM_002880.4(RAF1):c.325_327del (p.Lys109del)

Gene: RAF1 (Raf-1 proto-oncogene, serine/threonine kinase; minus strand). Cytogenetic location: 3p25.2.
Variant type: Deletion.
Coding change: c.325_327del on transcript NM_002880.4 (MANE Select); coding-DNA positions 325 to 327, 3 bases deleted (AAA; older notation c.325_327delAAA).
Protein change: p.Lys109del; deletes lysine 109.
Molecular consequence: inframe deletion. On other transcripts: non-coding transcript variant (3).
Genome position (GRCh38, 1-based): chr3:12,609,329-12,609,331, TTT deleted on the plus strand (AAA on the coding strand, the reverse complement: RAF1 is on the minus strand); deleting any 3 consecutive bases within chr3:12,609,329-12,609,334 gives the same sequence; the c. name uses the placement nearest the transcript's 3' end. VCF-style (leftmost placement, unchanged base first): chr3-12609328-CTTT-C. GRCh37 (hg19) VCF-style: chr3-12650827-CTTT-C.
Other names: c.325_327delAAA (NM_002880.3, NM_002880.4); c.325_327del, p.Lys109del (NM_001354689.3, NM_001354690.3, NM_001354693.3); c.82_84del, p.Lys28del (NM_001354691.3, NM_001354692.3, NM_001354694.3 and 1 more transcripts); short protein forms K109del, K28del.
Identifiers: ClinVar variation 597107 (VCV000597107.14), dbSNP rs1418886913, ClinGen allele CA898423274.